The following is an entry in ClinVar:

ClinVar aggregate classification (germline): Benign (0 of 4 stars; one submission).

Conditions:
KIAA0825-related disorder. Also called: KIAA0825-related condition.

Allele frequency attached by ClinVar (database versions not stated): gnomAD exomes 0.00042; ExAC 0.00149; gnomAD 0.00364; 1000 Genomes Project 0.00419; TOPMed 0.00422; 1000 Genomes Project 30x 0.00453.
gnomAD v4.1: 1,150 of 1,463,196 alleles (0.079%); highest among the groups gnomAD compares: African/African-American, 1.2%; 7 homozygotes.

Submission:

PreventionGenetics, part of Exact Sciences
Classification: Benign for KIAA0825-related condition. Last evaluated: 2019-12-31. Review status: no assertion criteria provided. Collection method: clinical testing. Allele origin: germline.
Comment: This variant is classified as benign based on ACMG/AMP sequence variant interpretation guidelines (Richards et al. 2015 PMID: 25741868, with internal and published modifications).

NM_001145678.3(KIAA0825):c.1132+4A>G

Gene: KIAA0825 (KIAA0825; minus strand). Cytogenetic location: 5q15.
Variant type: single nucleotide variant.
Coding change: c.1132+4A>G on transcript NM_001145678.3 (MANE Select); 4 bases into the intron after coding-DNA position 1132, A replaced by G.
Molecular consequence: intron variant.
Genome position (GRCh38, 1-based): chr5:94,484,765, T>C on the plus strand (A>G on the coding strand, the complement: KIAA0825 is on the minus strand). VCF-style: chr5-94484765-T-C. GRCh37 (hg19) VCF-style: chr5-93820470-T-C.
Other names: c.1132+4A>G (NM_001388325.1, NM_001385712.1, NM_001385713.1 and 1 more transcripts).
Identifiers: ClinVar variation 3039459 (VCV003039459.2), dbSNP rs143619655, ClinGen allele CA3344168.